The following is an entry in ClinVar:

NM_001035.3(RYR2):c.8216A>G (p.Asn2739Ser)

Gene: RYR2 (ryanodine receptor 2; plus strand). Cytogenetic location: 1q43.
Variant type: single nucleotide variant.
Coding change: c.8216A>G on transcript NM_001035.3 (MANE Select); coding-DNA position 8216, A replaced by G.
Protein change: p.Asn2739Ser; replaces asparagine 2739 with serine.
Molecular consequence: missense variant.
Genome position (GRCh38, 1-based): chr1:237,659,992, A>G. VCF-style: chr1-237659992-A-G. GRCh37 (hg19) VCF-style: chr1-237823292-A-G.
Other names: short protein forms N2739S.
Identifiers: ClinVar variation 3894511 (VCV003894511.1).

ClinVar aggregate classification (germline): Uncertain significance (1 of 4 stars; one submission).

Conditions:
Cardiomyopathy (CMYO). Also called: Cardiomyopathies. Identifiers: Orphanet 167848, MedGen C0878544, MONDO:0004994, HP:0001638. Inheritance: Various modes of inheritance.

Submission:

Color Diagnostics, LLC DBA Color Health
Classification: Uncertain significance for Cardiomyopathy. Last evaluated: 2024-02-05. Review status: criteria provided, single submitter. Criteria: ACMG Guidelines, 2015. Collection method: clinical testing. Allele origin: germline.
Comment: This missense variant replaces asparagine with serine at codon 2739 of the RYR2 protein. Computational prediction suggests that this variant may not impact protein structure and function (internally defined REVEL score threshold <= 0.5, PMID: 27666373). To our knowledge, functional studies have not been reported for this variant. This variant has not been reported in individuals affected with RYR2-related disorders in the literature. This variant has not been identified in the general population by the Genome Aggregation Database (gnomAD). The available evidence is insufficient to determine the role of this variant in disease conclusively. Therefore, this variant is classified as a Variant of Uncertain Significance.